The following is an entry in ClinVar:

ClinVar aggregate classification (germline): Conflicting classifications of pathogenicity. Review status: criteria provided, conflicting classifications (1 of 4 stars). 2 submissions from 2 submitters: Uncertain significance (1); Likely benign (1). Last evaluated 2024-07-01.

Submissions (2):

CeGaT Center for Human Genetics Tuebingen
Classification: Uncertain significance. Last evaluated: 2024-07-01. Review status: criteria provided, single submitter. Criteria: CeGaT Center For Human Genetics Tuebingen Variant Classification Criteria Version 2. Collection method: clinical testing. Allele origin: germline. Affected: yes. Observed: 1 variant allele.
Comment: ADGRV1: PM2

Labcorp Genetics (formerly Invitae), Labcorp
Classification: Likely benign. Last evaluated: 2024-04-22. Review status: criteria provided, single submitter. Criteria: Invitae Variant Classification Sherloc (09022015). Collection method: clinical testing. Allele origin: germline.

NM_032119.4(ADGRV1):c.1510-8_1510-4del

Gene: ADGRV1 (adhesion G protein-coupled receptor V1; plus strand). Cytogenetic location: 5q14.3.
Variant type: Deletion.
Coding change: c.1510-8_1510-4del on transcript NM_032119.4 (MANE Select); 8 bases into the intron before coding-DNA position 1510 through 4 bases into the intron before coding-DNA position 1510, 5 bases deleted (TACTT; older notation c.1510-8_1510-4delTACTT).
Molecular consequence: intron variant.
Genome position (GRCh38, 1-based): chr5:90,629,202-90,629,206, TACTT deleted; deleting any 5 consecutive bases within chr5:90,629,199-90,629,206 gives the same sequence; the c. name uses the placement nearest the transcript's 3' end. VCF-style (leftmost placement, unchanged base first): chr5-90629198-CCTTTA-C. GRCh37 (hg19) VCF-style: chr5-89925015-CCTTTA-C.
Identifiers: ClinVar variation 3257078 (VCV003257078.19).